The following is an entry in ClinVar:

ClinVar aggregate classification (germline): Benign. Review status: criteria provided, multiple submitters, no conflicts (2 of 4 stars). 3 submissions from 3 submitters: Benign (3). Last evaluated 2023-10-01.

Conditions:
Occult macular dystrophy (OCMD). Also called: OMD; OCCULT MACULAR DYSTROPHY, SUSCEPTIBILITY TO. Identifiers: Orphanet 247834, MedGen C3150833, MONDO:0013316, OMIM 613587, HP:0030636.
Retinal dystrophy. Also called: Inherited retinal dystrophy. Identifiers: Orphanet 71862, MedGen C0854723, MeSH D058499, MONDO:0019118, HP:0000556.

Allele frequency attached by ClinVar (database versions not stated): ESP Exome Variant Server 0.11745; gnomAD 0.12251 and 0.13183; TOPMed 0.12645; ExAC 0.17032; gnomAD exomes 0.17083; 1000 Genomes Project 30x 0.18145; 1000 Genomes Project 0.18670.
gnomAD v4.1: 233,737 of 1,613,610 alleles (14%); highest among the groups gnomAD compares: South Asian, 33%; 19,534 homozygotes.

Submissions (3):

Dept Of Ophthalmology, Nagoya University
Classification: Benign for Retinal dystrophy. Last evaluated: 2023-10-01. Review status: criteria provided, single submitter. Criteria: Submitter's publication. Collection method: research. Allele origin: germline. Affected: yes.

Illumina Laboratory Services, Illumina
Classification: Benign for Occult macular dystrophy. Last evaluated: 2018-01-13. Review status: criteria provided, single submitter. Criteria: ICSL Variant Classification Criteria 13 December 2019. Collection method: clinical testing. Allele origin: germline.
Comment: This variant was observed in the ICSL laboratory as part of a predisposition screen in an ostensibly healthy population. It had not been previously curated by ICSL or reported in the Human Gene Mutation Database (HGMD: prior to June 1st, 2018), and was therefore a candidate for classification through an automated scoring system. Utilizing variant allele frequency, disease prevalence and penetrance estimates, and inheritance mode, an automated score was calculated to assess if this variant is too frequent to cause the disease. Based on the score and internal cut-off values, a variant classified as benign is not then subjected to further curation. The score for this variant resulted in a classification of benign for this disease.

Breakthrough Genomics
Classification: Benign. Review status: criteria provided, single submitter. Criteria: ACMG Guidelines, 2015. Collection method: not provided. Allele origin: germline. Inheritance: Autosomal recessive inheritance. Affected: yes.

NM_178857.6(RP1L1):c.2268C>T (p.Asn756=)

Gene: RP1L1 (RP1 like 1). Cytogenetic location: 8p23.1.
Variant type: single nucleotide variant.
Coding change: c.2268C>T on transcript NM_178857.6 (MANE Select); coding-DNA position 2268, C replaced by T.
Protein change: p.Asn756=; no amino-acid change (asparagine 756 retained).
Molecular consequence: synonymous variant.
Genome position (GRCh38, 1-based): chr8:10,611,830, G>A on the plus strand (C>T on the coding strand, the complement: RP1L1 is on the minus strand). VCF-style: chr8-10611830-G-A. GRCh37 (hg19) VCF-style: chr8-10469340-G-A.
Identifiers: ClinVar variation 361353 (VCV000361353.7), dbSNP rs57819090, ClinGen allele CA4624896.